The following is an entry in ClinVar:

NM_001145809.2(MYH14):c.2162G>A (p.Arg721His)

Gene: MYH14 (myosin heavy chain 14; plus strand). Cytogenetic location: 19q13.33.
Variant type: single nucleotide variant.
Coding change: c.2162G>A on transcript NM_001145809.2 (MANE Select); coding-DNA position 2162, G replaced by A.
Protein change: p.Arg721His; replaces arginine 721 with histidine.
Molecular consequence: missense variant.
Genome position (GRCh38, 1-based): chr19:50,257,416, G>A. VCF-style: chr19-50257416-G-A. GRCh37 (hg19) VCF-style: chr19-50760673-G-A.
Other names: c.2063G>A, p.Arg688His (NM_001077186.2); c.2039G>A, p.Arg680His (NM_024729.4); short protein forms R680H, R688H, R721H.
Identifiers: ClinVar variation 1397178 (VCV001397178.10), dbSNP rs377519378, ClinGen allele CA9592806.

ClinVar aggregate classification (germline): Uncertain significance. Review status: criteria provided, multiple submitters, no conflicts (2 of 4 stars). 3 submissions from 3 submitters: Uncertain significance (3). Last evaluated 2025-07-28.

Allele frequency attached by ClinVar (database versions not stated): gnomAD exomes 0.00003; ESP Exome Variant Server 0.00008; gnomAD 0.00008; TOPMed 0.00008.
gnomAD v4.1: 60 of 1,607,606 alleles (0.0037%); highest among the groups gnomAD compares: African/African-American, 0.013%; no homozygotes.

Submissions (3):

Labcorp Genetics (formerly Invitae), Labcorp
Classification: Uncertain significance. Last evaluated: 2025-07-28. Review status: criteria provided, single submitter. Criteria: Invitae Variant Classification Sherloc (09022015). Collection method: clinical testing. Allele origin: germline.
Comment: This sequence change replaces arginine, which is basic and polar, with histidine, which is basic and polar, at codon 680 of the MYH14 protein (p.Arg680His). This variant is present in population databases (rs377519378, gnomAD 0.02%). This variant has not been reported in the literature in individuals affected with MYH14-related conditions. ClinVar contains an entry for this variant (Variation ID: 1397178). Invitae Evidence Modeling of protein sequence and biophysical properties (such as structural, functional, and spatial information, amino acid conservation, physicochemical variation, residue mobility, and thermodynamic stability) indicates that this missense variant is not expected to disrupt MYH14 protein function with a negative predictive value of 80%. In summary, the available evidence is currently insufficient to determine the role of this variant in disease. Therefore, it has been classified as a Variant of Uncertain Significance.

Women's Health and Genetics/Laboratory Corporation of America, LabCorp
Classification: Uncertain significance. Last evaluated: 2025-04-14. Review status: criteria provided, single submitter. Criteria: LabCorp Variant Classification Summary - May 2015. Collection method: clinical testing. Allele origin: germline.
Comment: Variant summary: MYH14 c.2039G>A (p.Arg680His) results in a non-conservative amino acid change in the encoded protein sequence. Three of five in-silico tools predict a damaging effect of the variant on protein function. The variant allele was found at a frequency of 5.5e-05 in 236858 control chromosomes. To our knowledge, no occurrence of c.2039G>A in individuals affected with Autosomal dominant nonsyndromic hearing loss 4A and no experimental evidence demonstrating its impact on protein function have been reported. ClinVar contains an entry for this variant (Variation ID: 1397178). Based on the evidence outlined above, the variant was classified as uncertain significance.

GeneDx
Classification: Uncertain significance. Last evaluated: 2025-02-07. Review status: criteria provided, single submitter. Criteria: GeneDx Variant Classification Process June 2021. Collection method: clinical testing. Allele origin: germline. Affected: yes.
Comment: In silico analysis supports that this missense variant has a deleterious effect on protein structure/function; Has not been previously published as pathogenic or benign to our knowledge